The following is an entry in ClinVar:

ClinVar aggregate classification (germline): Uncertain significance (1 of 4 stars; one submission).

Conditions:
Hereditary nonpolyposis colorectal neoplasms. Identifiers: MedGen C0009405, MeSH D003123.

gnomAD v4.1: 2 of 1,614,118 alleles (0.00012%); highest among the groups gnomAD compares: South Asian, 0.0022%; no homozygotes.

Submission:

Labcorp Genetics (formerly Invitae), Labcorp
Classification: Uncertain significance for Hereditary nonpolyposis colorectal neoplasms. Last evaluated: 2022-02-11. Review status: criteria provided, single submitter. Criteria: Invitae Variant Classification Sherloc (09022015). Collection method: clinical testing. Allele origin: germline.
Comment: In summary, the available evidence is currently insufficient to determine the role of this variant in disease. Therefore, it has been classified as a Variant of Uncertain Significance. Advanced modeling of protein sequence and biophysical properties (such as structural, functional, and spatial information, amino acid conservation, physicochemical variation, residue mobility, and thermodynamic stability) performed at Invitae indicates that this missense variant is not expected to disrupt MSH6 protein function. This variant has not been reported in the literature in individuals affected with MSH6-related conditions. This variant is not present in population databases (gnomAD no frequency). This sequence change replaces aspartic acid, which is acidic and polar, with asparagine, which is neutral and polar, at codon 1106 of the MSH6 protein (p.Asp1106Asn).

NM_000179.3(MSH6):c.3316G>A (p.Asp1106Asn)

Gene: MSH6 (mutS homolog 6; plus strand). Cytogenetic location: 2p16.3.
Variant type: single nucleotide variant.
Coding change: c.3316G>A on transcript NM_000179.3 (MANE Select); coding-DNA position 3316, G replaced by A.
Protein change: p.Asp1106Asn; replaces aspartic acid 1106 with asparagine.
Molecular consequence: missense variant.
Genome position (GRCh38, 1-based): chr2:47,803,563, G>A. VCF-style: chr2-47803563-G-A. GRCh37 (hg19) VCF-style: chr2-48030702-G-A.
Other names: c.3316G>A, p.Asp1106Asn (NM_001406808.1, NM_001406809.1, NM_001406796.1 and 1 more transcripts); c.2410G>A, p.Asp804Asn (NM_001406811.1, NM_001406812.1, NM_001406814.1 and 6 more transcripts); c.3322G>A, p.Asp1108Asn (NM_001406813.1); c.1750G>A, p.Asp584Asn (NM_001406817.1); c.3019G>A, p.Asp1007Asn (NM_001406818.1, NM_001406797.1, NM_001406801.1 and 10 more transcripts); c.2926G>A, p.Asp976Asn (NM_001281492.2); c.3412G>A, p.Asp1138Asn (NM_001406795.1, NM_001406802.1); c.2791G>A, p.Asp931Asn (NM_001406799.1, NM_001406806.1, NM_001406807.1); and 6 more; short protein forms D1050N, D33N, D55N, D804N, D818N, D1007N, D1080N, D1106N.
Identifiers: ClinVar variation 2096360 (VCV002096360.4), dbSNP rs1553331552, ClinGen allele CA346758635.